The following is an entry in ClinVar:

ClinVar aggregate classification (germline): Likely pathogenic (1 of 4 stars; one submission).

Conditions:
Pontocerebellar hypoplasia type 1A (PCH1A). Also called: PONTOCEREBELLAR HYPOPLASIA WITH ANTERIOR HORN CELL DISEASE; PONTOCEREBELLAR HYPOPLASIA WITH INFANTILE SPINAL MUSCULAR ATROPHY. Identifiers: Orphanet 2254, Orphanet 88616, MedGen C1843504, MONDO:0011866, OMIM 607596.

Submission:

Natera, Inc.
Classification: Likely pathogenic for Pontocerebellar hypoplasia, type 1a. Last evaluated: 2025-01-21. Review status: criteria provided, single submitter. Criteria: Natera Variant Classification Schema (03/2026). Collection method: clinical testing. Allele origin: germline.
Comment: The c.7del variant in VRK1 is a frameshift variant predicted to shift the reading frame beginning at codon 3 and leads to a stop codon 2 codons downstream. This variant is expected to result in nonsense mediated decay, truncation, or a dysfunctional protein product. This variant is rare in the general population with a frequency below the threshold expected for the associated phenotype(s). Given the available evidence, this variant is classified as Likely Pathogenic.

NM_003384.3(VRK1):c.7del (p.Arg3fs)

Gene: VRK1 (VRK serine/threonine kinase 1; plus strand). Cytogenetic location: 14q32.2.
Variant type: Deletion.
Coding change: c.7del on transcript NM_003384.3 (MANE Select); coding-DNA position 7, one base deleted (C; older notation c.7delC).
Protein change: p.Arg3fs; shifts the reading frame from arginine 3.
Molecular consequence: frameshift variant.
Genome position (GRCh38, 1-based): chr14:96,833,478, C deleted. VCF-style (leftmost placement, unchanged base first): chr14-96833477-TC-T. GRCh37 (hg19) VCF-style: chr14-97299814-TC-T.
Other names: c.7del, p.Arg3fs (NM_001411051.1, NM_001411053.1); short protein forms R3fs.
Identifiers: ClinVar variation 4063320 (VCV004063320.2).
Genomic context (GRCh38, chr14:96,833,477, plus strand): 5'-AAACACTTCTAAGATTAGAATTCTGACCATTTCTTTGTTTTATGTTATAGTGAAAATGCC[TC>T]GTGTAAAAGCAGCTCAAGCTGGAAGACAGAGCTCTGCAAAGAGACATCTTGCAGAACAAT-3'